The following is an entry in ClinVar:

NM_003482.4(KMT2D):c.10233C>T (p.Asp3411=)

Gene: KMT2D (lysine methyltransferase 2D; minus strand). Cytogenetic location: 12q13.12.
Variant type: single nucleotide variant.
Coding change: c.10233C>T on transcript NM_003482.4 (MANE Select); coding-DNA position 10233, C replaced by T.
Protein change: p.Asp3411=; no amino-acid change (aspartic acid 3411 retained).
Molecular consequence: synonymous variant.
Genome position (GRCh38, 1-based): chr12:49,034,934, G>A on the plus strand (C>T on the coding strand, the complement: KMT2D is on the minus strand). VCF-style: chr12-49034934-G-A. GRCh37 (hg19) VCF-style: chr12-49428717-G-A.
Other names: p.Asp3411=.
Identifiers: ClinVar variation 196955 (VCV000196955.56), dbSNP rs148688181, ClinGen allele CA202646.

ClinVar aggregate classification (germline): Conflicting classifications of pathogenicity. Review status: criteria provided, conflicting classifications (1 of 4 stars). 11 submissions from 11 submitters: Uncertain significance (1); Benign (3); Likely benign (7). Last evaluated 2026-09-01.

Conditions:
Kabuki syndrome. Also called: NIIKAWA-KUROKI SYNDROME; Kabuki make-up syndrome. Identifiers: Orphanet 2322, MedGen C0796004, MONDO:0016512.
Kabuki syndrome 1 (KABUK1). Also called: KMT2D-Related Kabuki Syndrome. Identifiers: Orphanet 2322, MedGen CN030661, MONDO:0007843, OMIM 147920.

Allele frequency attached by ClinVar (database versions not stated): ExAC 0.00091; gnomAD exomes 0.00096; gnomAD 0.00100 and 0.00103; TOPMed 0.00110; 1000 Genomes Project 0.00160; 1000 Genomes Project 30x 0.00187; ESP Exome Variant Server 0.00238.
gnomAD v4.1: 2,295 of 1,613,976 alleles (0.14%); highest among the groups gnomAD compares: Non-Finnish European, 0.17%; 3 homozygotes.

Submissions (11):

CeGaT Center for Human Genetics Tuebingen
Classification: Likely benign. Last evaluated: 2026-09-01. Review status: criteria provided, single submitter. Criteria: CeGaT Center For Human Genetics Tuebingen Variant Classification Criteria Version 2. Collection method: clinical testing. Allele origin: germline. Affected: yes. Observed: 14 variant alleles.
Comment: KMT2D: BP4, BP7, BS1

Labcorp Genetics (formerly Invitae), Labcorp
Classification: Benign for Kabuki syndrome. Last evaluated: 2026-01-28. Review status: criteria provided, single submitter. Criteria: Invitae Variant Classification Sherloc (09022015). Collection method: clinical testing. Allele origin: germline.

Mayo Clinic Laboratories, Mayo Clinic
Classification: Likely benign. Last evaluated: 2025-07-23. Review status: criteria provided, single submitter. Criteria: ACMG Guidelines, 2015. Collection method: clinical testing. Allele origin: germline. Observed: 1 variant allele.
Comment: BS1, BP4, BP7

Blueprint Genetics
Classification: Likely benign. Last evaluated: 2024-11-27. Review status: criteria provided, single submitter. Criteria: ACMG Guidelines, 2015. Collection method: clinical testing. Allele origin: germline.

GeneDx
Classification: Benign. Last evaluated: 2019-11-21. Review status: criteria provided, single submitter. Criteria: GeneDx Variant Classification Process June 2021. Collection method: clinical testing. Allele origin: germline. Affected: yes.

ARUP Laboratories, Molecular Genetics and Genomics, ARUP Laboratories
Classification: Likely benign for Kabuki syndrome 1. Last evaluated: 2019-08-22. Review status: criteria provided, single submitter. Criteria: ARUP Molecular Germline Variant Investigation Process. Collection method: clinical testing. Allele origin: germline.

Genetic Services Laboratory, University of Chicago
Classification: Benign. Last evaluated: 2019-03-20. Review status: criteria provided, single submitter. Criteria: ACMG Guidelines, 2015. Collection method: clinical testing. Allele origin: germline. Affected: no.

Center for Human Genetics, Inc
Classification: Uncertain significance for Kabuki syndrome 1. Last evaluated: 2016-11-01. Review status: criteria provided, single submitter. Criteria: ACMG Guidelines, 2015. Collection method: clinical testing. Allele origin: germline. Affected: yes.

Genomic Diagnostic Laboratory, Division of Genomic Diagnostics, Children's Hospital of Philadelphia
Classification: Likely benign. Last evaluated: 2015-11-10. Review status: criteria provided, single submitter. Criteria: DGD Variant Analysis Guidelines. Collection method: clinical testing. Allele origin: unknown.

Eurofins Ntd Llc (ga)
Classification: Likely benign. Last evaluated: 2015-03-23. Review status: criteria provided, single submitter. Criteria: EGL Classification Definitions 2015. Collection method: clinical testing. Allele origin: germline. Observed: 1 variant allele, 1 heterozygote.

PreventionGenetics, part of Exact Sciences
Classification: Likely benign. Review status: criteria provided, single submitter. Criteria: ACMG Guidelines, 2015. Collection method: clinical testing. Allele origin: germline.